The following is an entry in ClinVar:

NM_000516.7(GNAS):c.878del (p.Lys293fs)

Gene: GNAS (GNAS complex locus; plus strand). Cytogenetic location: 20q13.32.
Variant type: Deletion.
Coding change: c.878del on transcript NM_000516.7 (MANE Select); coding-DNA position 878, one base deleted (A; older notation c.878delA).
Protein change: p.Lys293fs; shifts the reading frame from lysine 293.
Molecular consequence: frameshift variant. On other transcripts: 3 prime UTR variant (2).
Genome position (GRCh38, 1-based): chr20:58,909,989, A deleted; the last of 2 consecutive A bases (chr20:58,909,988-58,909,989); deleting either gives the same sequence. VCF-style (leftmost placement, unchanged base first): chr20-58909987-CA-C. GRCh37 (hg19) VCF-style: chr20-57485042-CA-C.
Other names: c.701del, p.Lys234fs (NM_001309840.2, NM_001309861.2); c.782del, p.Lys261fs (NM_001410912.1); c.2762del, p.Lys921fs (NM_001410913.1); c.*784del (NM_016592.5); c.2807del, p.Lys936fs (NM_080425.4); c.836del, p.Lys279fs (NM_080426.4); c.881del, p.Lys294fs (NM_001077488.5); c.833del, p.Lys278fs (NM_001077489.4); and 1 more; short protein forms K279fs, K234fs, K261fs, K278fs, K293fs, K294fs, K921fs, K936fs.
Identifiers: ClinVar variation 2713650 (VCV002713650.3), dbSNP rs2517269281, ClinGen allele CA2697547437.

ClinVar aggregate classification (germline): Pathogenic (1 of 4 stars; one submission).

Submission:

Labcorp Genetics (formerly Invitae), Labcorp
Classification: Pathogenic. Last evaluated: 2023-08-08. Review status: criteria provided, single submitter. Criteria: Invitae Variant Classification Sherloc (09022015). Collection method: clinical testing. Allele origin: germline.
Comment: For these reasons, this variant has been classified as Pathogenic. This variant disrupts a region of the GNAS protein in which other variant(s) (p.Glu392Lys) have been determined to be pathogenic (PMID: 12970262, 21488135, 21525160, 24651309). This suggests that this is a clinically significant region of the protein, and that variants that disrupt it are likely to be disease-causing. Algorithms developed to predict the effect of sequence changes on RNA splicing suggest that this variant may create or strengthen a splice site. This variant has not been reported in the literature in individuals affected with GNAS-related conditions. This variant is not present in population databases (gnomAD no frequency). This sequence change creates a premature translational stop signal (p.Lys293Serfs*42) in the GNAS gene. While this is not anticipated to result in nonsense mediated decay, it is expected to disrupt the last 102 amino acid(s) of the GNAS protein.

Literature cited by the submitters: PubMed 12970262; PubMed 21488135; PubMed 21525160; PubMed 24651309.